The following is an entry in ClinVar:

ClinVar aggregate classification (germline): Likely pathogenic (1 of 4 stars; one submission).

Conditions:
Renal carnitine transport defect (CDSP). Also called: CARNITINE DEFICIENCY, SYSTEMIC, DUE TO DEFECT IN RENAL REABSORPTION OF CARNITINE; CARNITINE TRANSPORTER, PLASMA-MEMBRANE, DEFICIENCY OF; CARNITINE UPTAKE DEFECT; Carnitine Deficiency, Systemic; Primary carnitine deficiency; Systemic primary carnitine deficiency. Identifiers: Orphanet 158, MedGen C0342788, MONDO:0008919, OMIM 212140.

Submission:

Myriad Genetics, Inc.
Classification: Likely pathogenic for Renal carnitine transport defect. Last evaluated: 2022-05-18. Review status: criteria provided, single submitter. Criteria: Myriad Women's Health Autosomal Recessive and X-Linked Classification Criteria (2021). Collection method: clinical testing. Allele origin: unknown.
Comment: NM_003060.3(SLC22A5):c.82_83delAG(S28Hfs*109) is expected to be pathogenic in the context of primary carnitine deficiency. This variant is predicted to lead to an abnormal or absent protein product due to the creation of a premature termination codon in SLC22A5, a gene where loss-of-function variants are known to be pathogenic. Please note: this variant was assessed in the context of healthy population screening.

NM_003060.4(SLC22A5):c.82_83del (p.Ser28fs)

Gene: SLC22A5 (solute carrier family 22 member 5; plus strand). Cytogenetic location: 5q31.1.
Variant type: Deletion.
Coding change: c.82_83del on transcript NM_003060.4 (MANE Select); coding-DNA positions 82 to 83, 2 bases deleted (AG; older notation c.82_83delAG).
Protein change: p.Ser28fs; shifts the reading frame from serine 28.
Molecular consequence: frameshift variant.
Genome position (GRCh38, 1-based): chr5:132,370,054-132,370,055, AG deleted. VCF-style (leftmost placement, unchanged base first): chr5-132370053-CAG-C. GRCh37 (hg19) VCF-style: chr5-131705745-CAG-C.
Other names: c.82_83del, p.Ser28fs (NM_001308122.2); short protein forms S28fs.
Identifiers: ClinVar variation 1726148 (VCV001726148.2), dbSNP rs2532088224, ClinGen allele CA2580072636.